The following is an entry in ClinVar:

NM_000551.4(VHL):c.-16C>T

Gene: VHL (von Hippel-Lindau tumor suppressor; plus strand). Cytogenetic location: 3p25.3.
Variant type: single nucleotide variant.
Coding change: c.-16C>T on transcript NM_000551.4 (MANE Select); 16 bases upstream of the start codon, C replaced by T.
Molecular consequence: 5 prime UTR variant.
Genome position (GRCh38, 1-based): chr3:10,141,832, C>T. VCF-style: chr3-10141832-C-T. GRCh37 (hg19) VCF-style: chr3-10183516-C-T.
Other names: c.-16C>T (NM_001354723.2, NM_198156.3).
Identifiers: ClinVar variation 378852 (VCV000378852.2), dbSNP rs893572737, ClinGen allele CA16604749.

ClinVar aggregate classification (germline): Likely benign. Review status: criteria provided, multiple submitters, no conflicts (2 of 4 stars). 2 submissions from 2 submitters: Likely benign (2). Last evaluated 2025-12-29.

Allele frequency attached by ClinVar (database versions not stated): TOPMed 0.00001.
gnomAD v4.1: 2 of 1,536,846 alleles (0.00013%); highest among the groups gnomAD compares: Non-Finnish European, 0.00018%; no homozygotes.

Submissions (2):

Center for Genomic Medicine, Rigshospitalet, Copenhagen University Hospital
Classification: Likely benign. Last evaluated: 2025-12-29. Review status: criteria provided, single submitter. Criteria: ACMG Guidelines, 2015. Collection method: clinical testing. Allele origin: germline.

GeneDx
Classification: Likely benign. Last evaluated: 2016-10-27. Review status: criteria provided, single submitter. Criteria: GeneDx Variant Classification (06012015). Collection method: clinical testing. Allele origin: germline. Affected: yes.
Comment: This variant is considered likely benign or benign based on one or more of the following criteria: it is a conservative change, it occurs at a poorly conserved position in the protein, it is predicted to be benign by multiple in silico algorithms, and/or has population frequency not consistent with disease.